The following is an entry in ClinVar:

ClinVar aggregate classification (germline): Benign. Review status: criteria provided, multiple submitters, no conflicts (2 of 4 stars). 5 submissions from 5 submitters: Benign (5). Last evaluated 2026-01-22.

Conditions:
Immunodeficiency due to MASP-2 deficiency. Also called: MASP2 deficiency; LECTIN COMPLEMENT ACTIVATION PATHWAY, DEFECT IN, 2. Identifiers: Orphanet 331187, MedGen C3151085, MONDO:0013423, OMIM 613791.

Allele frequency attached by ClinVar (database versions not stated): TOPMed 0.00908; ESP Exome Variant Server 0.01116; 1000 Genomes Project 0.01298; 1000 Genomes Project 30x 0.01359.
gnomAD v4.1: 2,376 of 1,610,056 alleles (0.15%); highest among the groups gnomAD compares: African/African-American, 2.8%; 33 homozygotes.

Submissions (5):

Women's Health and Genetics/Laboratory Corporation of America, LabCorp
Classification: Benign. Last evaluated: 2026-01-22. Review status: criteria provided, single submitter. Criteria: LabCorp Variant Classification Summary - May 2015. Collection method: clinical testing. Allele origin: germline.

Mayo Clinic Laboratories, Mayo Clinic
Classification: Benign. Last evaluated: 2025-10-08. Review status: criteria provided, single submitter. Criteria: ACMG Guidelines, 2015. Collection method: clinical testing. Allele origin: germline. Observed: 1 variant allele.
Comment: BS1, BS2, BP4, BP7

Labcorp Genetics (formerly Invitae), Labcorp
Classification: Benign. Last evaluated: 2018-11-09. Review status: criteria provided, single submitter. Criteria: Invitae Variant Classification Sherloc (09022015). Collection method: clinical testing. Allele origin: germline.

Illumina Laboratory Services, Illumina
Classification: Benign for Immunodeficiency due to MASP-2 deficiency. Last evaluated: 2018-01-12. Review status: criteria provided, single submitter. Criteria: ICSL Variant Classification Criteria 13 December 2019. Collection method: clinical testing. Allele origin: germline.
Comment: This variant was observed in the ICSL laboratory as part of a predisposition screen in an ostensibly healthy population. It had not been previously curated by ICSL or reported in the Human Gene Mutation Database (HGMD: prior to June 1st, 2018), and was therefore a candidate for classification through an automated scoring system. Utilizing variant allele frequency, disease prevalence and penetrance estimates, and inheritance mode, an automated score was calculated to assess if this variant is too frequent to cause the disease. Based on the score and internal cut-off values, a variant classified as benign is not then subjected to further curation. The score for this variant resulted in a classification of benign for this disease.

Breakthrough Genomics
Classification: Benign. Review status: criteria provided, single submitter. Criteria: ACMG Guidelines, 2015. Collection method: not provided. Allele origin: germline. Inheritance: Autosomal recessive inheritance. Affected: yes.

NM_006610.4(MASP2):c.612G>A (p.Pro204=)

Gene: MASP2 (MBL associated serine protease 2; minus strand). Cytogenetic location: 1p36.22.
Variant type: single nucleotide variant.
Coding change: c.612G>A on transcript NM_006610.4 (MANE Select); coding-DNA position 612, G replaced by A.
Protein change: p.Pro204=; no amino-acid change (proline 204 retained).
Molecular consequence: synonymous variant.
Genome position (GRCh38, 1-based): chr1:11,043,468, C>T on the plus strand (G>A on the coding strand, the complement: MASP2 is on the minus strand). VCF-style: chr1-11043468-C-T. GRCh37 (hg19) VCF-style: chr1-11103525-C-T.
Other names: p.Pro204=.
Identifiers: ClinVar variation 291798 (VCV000291798.11), dbSNP rs72550853, ClinGen allele CA586986.
Genomic context (GRCh38, chr1:11,043,468, plus strand): 5'-AATGACACTGAACCCCTCCTCCAGGCTGATGCTGTAAGTGCAACTGGAGAGTTTGGGATA[C>T]GGCCGTGGGTATTCAGGGCTGCTGAGCTCCCCAGACCTCTGGGTGAAGACCTGGCCGGAG-3'
Protein context (NP_006601.2, residues 194-214): GELSSPEYPR[Pro204=]YPKLSSCTYS